The following is an entry in ClinVar:

ClinVar aggregate classification (germline): Pathogenic/Likely pathogenic. Review status: criteria provided, multiple submitters, no conflicts (2 of 4 stars). 5 submissions from 5 submitters: Pathogenic (2); Likely pathogenic (3). Last evaluated 2024-07-03.

Conditions:
Cobalamin C disease. Also called: Methylmalonic aciduria and homocystinuria, Vitamin B12-responsive; Vitamin B12 metabolic defect with combined deficiency of methylmalonyl-CoA mutase and homocysteine:methyltetrahydrofolate methyltransferase; Methylmalonic aciduria with homocystinuria cblC type; methylmalonic aciduria and homocystinuria type cblC; Cobalamin-C methylmalonic acidemia and homocystinuria; Methylmalonic acidemia and homocystinuria cblC type. Identifiers: Orphanet 26, Orphanet 79282, MedGen C1848561, MONDO:0010184, OMIM 277400.

Allele frequency attached by ClinVar (database versions not stated): gnomAD exomes below 0.00001 and 0.00002; gnomAD 0.00001; TOPMed 0.00002; ExAC 0.00004; ESP Exome Variant Server 0.00008.

Submissions (5):

Natera, Inc.
Classification: Likely pathogenic for Methylmalonic aciduria and homocystinuria cblC type. Last evaluated: 2024-07-03. Review status: criteria provided, single submitter. Criteria: Natera Variant Classification Schema (03/2026). Collection method: clinical testing. Allele origin: germline.
Comment: The c.434dupT variant in MMACHC is a frameshift variant predicted to shift the reading frame beginning at codon 146 and leads to a stop codon 36 codons downstream. This variant is expected to result in nonsense mediated decay, truncation, or a dysfunctional protein product. This variant is rare in the general population with a frequency below the threshold expected for the associated phenotype(s). Given the available evidence, this variant is classified as Likely Pathogenic.

Labcorp Genetics (formerly Invitae), Labcorp
Classification: Pathogenic for Cobalamin C disease. Last evaluated: 2023-12-27. Review status: criteria provided, single submitter. Criteria: Invitae Variant Classification Sherloc (09022015). Collection method: clinical testing. Allele origin: germline.
Comment: This sequence change creates a premature translational stop signal (p.Ser146Ilefs*36) in the MMACHC gene. While this is not anticipated to result in nonsense mediated decay, it is expected to disrupt the last 137 amino acid(s) of the MMACHC protein. This variant is present in population databases (rs768978351, gnomAD 0.03%). This premature translational stop signal has been observed in individual(s) with methylmalonic aciduria and homocystinuria (PMID: 19370762, 30209273). ClinVar contains an entry for this variant (Variation ID: 1362501). This variant disrupts a region of the MMACHC protein in which other variant(s) (p.Tyr222*) have been determined to be pathogenic (PMID: 16311595, 19767224, 30157807). This suggests that this is a clinically significant region of the protein, and that variants that disrupt it are likely to be disease-causing. For these reasons, this variant has been classified as Pathogenic.

Baylor Genetics
Classification: Pathogenic for Cobalamin C disease. Last evaluated: 2023-12-06. Review status: criteria provided, single submitter. Criteria: ACMG Guidelines, 2015. Collection method: clinical testing. Allele origin: unknown.

Genome-Nilou Lab
Classification: Likely pathogenic for Cobalamin C disease. Last evaluated: 2023-04-11. Review status: criteria provided, single submitter. Criteria: ACMG Guidelines, 2015. Collection method: clinical testing. Allele origin: germline. Affected: no.

Fulgent Genetics
Classification: Likely pathogenic for Cobalamin C disease. Last evaluated: 2022-03-30. Review status: criteria provided, single submitter. Criteria: ACMG Guidelines, 2015. Collection method: clinical testing. Allele origin: unknown.

Literature cited by the submitters: PubMed 19370762 (cited by Labcorp Genetics (formerly Invitae), Labcorp); PubMed 30209273 (cited by Labcorp Genetics (formerly Invitae), Labcorp); PubMed 16311595 (cited by Labcorp Genetics (formerly Invitae), Labcorp); PubMed 19767224 (cited by Labcorp Genetics (formerly Invitae), Labcorp); PubMed 30157807 (cited by Labcorp Genetics (formerly Invitae), Labcorp).

NM_015506.3(MMACHC):c.434dup (p.Ser146fs)

Gene: MMACHC (metabolism of cobalamin associated C; plus strand). Cytogenetic location: 1p34.1.
Variant type: Duplication.
Coding change: c.434dup on transcript NM_015506.3 (MANE Select); coding-DNA position 434, one base duplicated (T; older notation c.434dupT).
Protein change: p.Ser146fs; shifts the reading frame from serine 146.
Molecular consequence: frameshift variant.
Genome position (GRCh38, 1-based): chr1:45,508,800, T duplicated. VCF-style (leftmost placement, unchanged base first): chr1-45508799-A-AT. GRCh37 (hg19) VCF-style: chr1-45974471-A-AT.
Other names: c.434dupT (NM_015506.2); c.263dup, p.Ser89fs (NM_001330540.2); short protein forms S146fs, S89fs.
Identifiers: ClinVar variation 1362501 (VCV001362501.11), dbSNP rs768978351, ClinGen allele CA827756.